The following is an entry in ClinVar:

ClinVar aggregate classification (germline): Uncertain significance (1 of 4 stars; one submission).

Conditions:
Severe combined immunodeficiency due to DNA-PKcs deficiency. Also called: Immunodeficiency 26 with or without neurologic abnormalities; IMMUNODEFICIENCY 26 WITH NEUROLOGIC ABNORMALITIES. Identifiers: Orphanet 317425, MedGen C4014833, MONDO:0014423, OMIM 615966.

gnomAD v4.1: 1 of 1,606,888 alleles (0.000062%); no homozygotes.

Submission:

Labcorp Genetics (formerly Invitae), Labcorp
Classification: Uncertain significance for Severe combined immunodeficiency due to DNA-PKcs deficiency. Last evaluated: 2019-12-03. Review status: criteria provided, single submitter. Criteria: Invitae Variant Classification Sherloc (09022015). Collection method: clinical testing. Allele origin: germline.
Comment: In summary, the available evidence is currently insufficient to determine the role of this variant in disease. Therefore, it has been classified as a Variant of Uncertain Significance. Algorithms developed to predict the effect of missense changes on protein structure and function (SIFT, PolyPhen-2, Align-GVGD) all suggest that this variant is likely to be tolerated, but these predictions have not been confirmed by published functional studies and their clinical significance is uncertain. This variant has not been reported in the literature in individuals with PRKDC-related conditions. This variant is not present in population databases (ExAC no frequency). This sequence change replaces glutamic acid with lysine at codon 3371 of the PRKDC protein (p.Glu3371Lys). The glutamic acid residue is weakly conserved and there is a small physicochemical difference between glutamic acid and lysine.

NM_006904.7(PRKDC):c.10111G>A (p.Glu3371Lys)

Gene: PRKDC (protein kinase, DNA-activated, catalytic subunit; minus strand). Cytogenetic location: 8q11.21.
Variant type: single nucleotide variant.
Coding change: c.10111G>A on transcript NM_006904.7 (MANE Select); coding-DNA position 10111, G replaced by A.
Protein change: p.Glu3371Lys; replaces glutamic acid 3371 with lysine.
Molecular consequence: missense variant.
Genome position (GRCh38, 1-based): chr8:47,800,798, C>T on the plus strand (G>A on the coding strand, the complement: PRKDC is on the minus strand). VCF-style: chr8-47800798-C-T. GRCh37 (hg19) VCF-style: chr8-48713359-C-T.
Other names: c.10111G>A, p.Glu3371Lys (NM_001081640.2); short protein forms E3371K.
Identifiers: ClinVar variation 847038 (VCV000847038.5), dbSNP rs2087090983, ClinGen allele CA371135551.